The following is an entry in ClinVar:

NM_001972.4(ELANE):c.342G>T (p.Leu114Phe)

Gene: ELANE (elastase, neutrophil expressed; plus strand). Cytogenetic location: 19p13.3.
Variant type: single nucleotide variant.
Coding change: c.342G>T on transcript NM_001972.4 (MANE Select); coding-DNA position 342, G replaced by T.
Protein change: p.Leu114Phe; replaces leucine 114 with phenylalanine.
Molecular consequence: missense variant.
Genome position (GRCh38, 1-based): chr19:853,379, G>T. VCF-style: chr19-853379-G-T. GRCh37 (hg19) VCF-style: chr19-853379-G-T.
Other names: c.342G>T (LRG_57t1); short protein forms L114F.
Identifiers: ClinVar variation 572913 (VCV000572913.15), dbSNP rs1568304522, ClinGen allele CA402916334.
Genomic context (GRCh38, chr19:853,379, plus strand): 5'-CACCCGGCAGGTGTTCGCCGTGCAGCGCATCTTCGAAAACGGCTACGACCCCGTAAACTT[G>T]CTCAACGACATCGTGATTCTCCAGGTGCCGCCGGGCGGGGCGGGGGGCGCAGGGGCGGAG-3'
Protein context (NP_001963.1, residues 104-124): IFENGYDPVN[Leu114Phe]LNDIVILQLN

ClinVar aggregate classification (germline): Uncertain significance. Review status: criteria provided, multiple submitters, no conflicts (2 of 4 stars). 3 submissions from 3 submitters: Uncertain significance (3). Last evaluated 2025-05-02.

Conditions:
Neutropenia, severe congenital, 1, autosomal dominant. Identifiers: MedGen C1859966, MONDO:0042490, OMIM 202700.
Cyclical neutropenia. Also called: Cyclic Neutropenia; Cyclic hematopoiesis. Identifiers: Orphanet 2686, MedGen C0221023, MONDO:0008090, OMIM 162800, HP:0040289. Disease mechanism: loss of function.
Inborn genetic diseases. Identifiers: MedGen C0950123, MeSH D030342.

Allele frequency attached by ClinVar (database versions not stated): gnomAD exomes below 0.00001; TOPMed below 0.00001.
gnomAD v4.1: 3 of 1,610,672 alleles (0.00019%); highest among the groups gnomAD compares: Non-Finnish European, 0.00025%; no homozygotes.

Submissions (3):

Labcorp Genetics (formerly Invitae), Labcorp
Classification: Uncertain significance for Neutropenia, severe congenital, 1, autosomal dominant; Cyclical neutropenia. Last evaluated: 2025-05-02. Review status: criteria provided, single submitter. Criteria: Invitae Variant Classification Sherloc (09022015). Collection method: clinical testing. Allele origin: germline.
Comment: This sequence change replaces leucine, which is neutral and non-polar, with phenylalanine, which is neutral and non-polar, at codon 114 of the ELANE protein (p.Leu114Phe). This variant is not present in population databases (gnomAD no frequency). This variant has not been reported in the literature in individuals affected with ELANE-related conditions. ClinVar contains an entry for this variant (Variation ID: 572913). Invitae Evidence Modeling of protein sequence and biophysical properties (such as structural, functional, and spatial information, amino acid conservation, physicochemical variation, residue mobility, and thermodynamic stability) indicates that this missense variant is not expected to disrupt ELANE protein function with a negative predictive value of 95%. In summary, the available evidence is currently insufficient to determine the role of this variant in disease. Therefore, it has been classified as a Variant of Uncertain Significance.

Ambry Genetics
Classification: Uncertain significance for Inborn genetic diseases. Last evaluated: 2024-10-04. Review status: criteria provided, single submitter. Criteria: Ambry Variant Classification Scheme 2023. Collection method: clinical testing. Allele origin: germline.
Comment: The p.L114F variant (also known as c.342G>T), located in coding exon 3 of the ELANE gene, results from a G to T substitution at nucleotide position 342. The leucine at codon 114 is replaced by phenylalanine, an amino acid with highly similar properties. This amino acid position is conserved. In addition, this alteration is predicted to be tolerated by in silico analysis. Based on the available evidence, the clinical significance of this variant remains unclear.

Blueprint Genetics
Classification: Uncertain significance. Last evaluated: 2023-06-19. Review status: criteria provided, single submitter. Criteria: ACMG Guidelines, 2015. Collection method: clinical testing. Allele origin: germline.